The following is an entry in ClinVar:

ClinVar aggregate classification (germline): Uncertain significance. Review status: criteria provided, multiple submitters, no conflicts (2 of 4 stars). 5 submissions from 5 submitters: Uncertain significance (5). Last evaluated 2026-09-26.

Conditions:
Autoinflammatory syndrome. Identifiers: Orphanet 93665, MedGen C3890737, MONDO:0019751.
Familial cold autoinflammatory syndrome 2 (FCAS2). Identifiers: Orphanet 247868, MedGen C2673198, MONDO:0012724, OMIM 611762.

Allele frequency attached by ClinVar (database versions not stated): gnomAD 0.00011 and 0.00015; TOPMed 0.00022; ESP Exome Variant Server 0.00008.

Submissions (5):

GeneDx
Classification: Uncertain significance. Last evaluated: 2026-09-26. Review status: criteria provided, single submitter. Criteria: GeneDx Variant Classification Process June 2021. Collection method: clinical testing. Allele origin: germline.
Comment: In silico analysis suggests that this missense variant does not alter protein structure/function; This variant is associated with the following publications: (PMID: 34426522, 29500522, 30783801, 35852776, 37396539, 38878806, 42317440, 35211430)

Labcorp Genetics (formerly Invitae), Labcorp
Classification: Uncertain significance for Familial cold autoinflammatory syndrome 2. Last evaluated: 2026-01-14. Review status: criteria provided, single submitter. Criteria: Invitae Variant Classification Sherloc (09022015). Collection method: clinical testing. Allele origin: germline.
Comment: This sequence change replaces glycine, which is neutral and non-polar, with serine, which is neutral and polar, at codon 52 of the NLRP12 protein (p.Gly52Ser). This variant is present in population databases (rs369053968, gnomAD 0.05%), and has an allele count higher than expected for a pathogenic variant. This missense change has been observed in individual(s) with clinical features of familial cold autoinflammatory syndrome (FCAS) (PMID: 29500522, 37396539). ClinVar contains an entry for this variant (Variation ID: 469089). Invitae Evidence Modeling of protein sequence and biophysical properties (such as structural, functional, and spatial information, amino acid conservation, physicochemical variation, residue mobility, and thermodynamic stability) indicates that this missense variant is not expected to disrupt NLRP12 protein function with a negative predictive value of 80%. In summary, the available evidence is currently insufficient to determine the role of this variant in disease. Therefore, it has been classified as a Variant of Uncertain Significance.

Blueprint Genetics
Classification: Uncertain significance. Last evaluated: 2024-05-17. Review status: criteria provided, single submitter. Criteria: ACMG Guidelines, 2015. Collection method: clinical testing. Allele origin: germline.

Mayo Clinic Laboratories, Mayo Clinic
Classification: Uncertain significance. Last evaluated: 2022-02-17. Review status: criteria provided, single submitter. Criteria: ACMG Guidelines, 2015. Collection method: clinical testing. Allele origin: germline. Observed: 1 variant allele.
Comment: BP4

Genome Diagnostics Laboratory, The Hospital for Sick Children
Classification: Uncertain significance for Autoinflammatory syndrome. Last evaluated: 2018-05-01. Review status: criteria provided, single submitter. Criteria: ACMG Guidelines, 2015. Collection method: clinical testing. Allele origin: germline. Affected: yes.

Literature cited by the submitters: PubMed 29500522 (cited by Labcorp Genetics (formerly Invitae), Labcorp and Mayo Clinic Laboratories, Mayo Clinic); PubMed 37396539 (cited by Labcorp Genetics (formerly Invitae), Labcorp); PubMed 30783801 (cited by Mayo Clinic Laboratories, Mayo Clinic).

NM_144687.4(NLRP12):c.154G>A (p.Gly52Ser)

Gene: NLRP12 (NLR family pyrin domain containing 12; minus strand). Cytogenetic location: 19q13.42.
Variant type: single nucleotide variant.
Coding change: c.154G>A on transcript NM_144687.4 (MANE Select); coding-DNA position 154, G replaced by A.
Protein change: p.Gly52Ser; replaces glycine 52 with serine.
Molecular consequence: missense variant.
Genome position (GRCh38, 1-based): chr19:53,824,021, C>T on the plus strand (G>A on the coding strand, the complement: NLRP12 is on the minus strand). VCF-style: chr19-53824021-C-T. GRCh37 (hg19) VCF-style: chr19-54327275-C-T.
Other names: p.Gly52Ser; c.154G>A (NM_144687.2); c.154G>A, p.Gly52Ser (NM_001277129.1, NM_001277126.2); short protein forms G52S.
Identifiers: ClinVar variation 469089 (VCV000469089.17), dbSNP rs369053968, ClinGen allele CA9639825.